The following is an entry in ClinVar:

NM_006767.4(LZTR1):c.151G>C (p.Val51Leu)

Gene: LZTR1 (leucine zipper like post translational regulator 1; plus strand). Cytogenetic location: 22q11.21.
Variant type: single nucleotide variant.
Coding change: c.151G>C on transcript NM_006767.4 (MANE Select); coding-DNA position 151, G replaced by C.
Protein change: p.Val51Leu; replaces valine 51 with leucine.
Molecular consequence: missense variant.
Genome position (GRCh38, 1-based): chr22:20,982,522, G>C. VCF-style: chr22-20982522-G-C. GRCh37 (hg19) VCF-style: chr22-21336811-G-C.
Other names: short protein forms V51L.
Identifiers: ClinVar variation 4101922 (VCV004101922.1).
Genomic context (GRCh38, chr22:20,982,522, plus strand): 5'-GACCATAGCTGCTCGGACAGTGTCGAGTACCTGACGCTCAACTTCGGGCCCTTCGAAACA[G>C]TGCATCGCTGGCGGCGCCTCCCGCCCTGCGACGAGTTCGTGGGTGCCCGGTACGGTGGGC-3'
Protein context (NP_006758.2, residues 41-61): LTLNFGPFET[Val51Leu]HRWRRLPPCD

ClinVar aggregate classification (germline): Uncertain significance (1 of 4 stars; one submission).

Conditions:
Cardiovascular phenotype. Identifiers: MedGen CN230736.
Hereditary cancer-predisposing syndrome. Also called: Tumor predisposition; Neoplastic Syndromes, Hereditary; Hereditary neoplastic syndrome; Hereditary Cancer Syndrome. Identifiers: Orphanet 140162, MedGen C0027672, MeSH D009386, MONDO:0015356.

Submission:

Ambry Genetics
Classification: Uncertain significance for Cardiovascular phenotype; Hereditary cancer-predisposing syndrome. Last evaluated: 2025-08-15. Review status: criteria provided, single submitter. Criteria: Ambry Variant Classification Scheme 2023. Collection method: clinical testing. Allele origin: germline.
Comment: The p.V51L variant (also known as c.151G>C), located in coding exon 1 of the LZTR1 gene, results from a G to C substitution at nucleotide position 151. The valine at codon 51 is replaced by leucine, an amino acid with highly similar properties. This amino acid position is conserved. In addition, the in silico prediction for this alteration is inconclusive. Based on the available evidence, the clinical significance of this variant remains unclear.